The following is an entry in ClinVar:

ClinVar aggregate classification (germline): Uncertain significance. Review status: criteria provided, multiple submitters, no conflicts (2 of 4 stars). 2 submissions from 2 submitters: Uncertain significance (2). Last evaluated 2024-05-20.

Conditions:
Inborn genetic diseases. Identifiers: MedGen C0950123, MeSH D030342.
Pitt-Hopkins-like syndrome 2 (PTHSL2). Identifiers: Orphanet 221150, Orphanet 600663, MedGen C3280479, MONDO:0013690, OMIM 614325.

Allele frequency attached by ClinVar (database versions not stated): ExAC 0.00001; gnomAD 0.00001.
gnomAD v4.1: 19 of 1,603,356 alleles (0.0012%); highest among the groups gnomAD compares: East Asian, 0.0022%; no homozygotes.

Submissions (2):

Ambry Genetics
Classification: Uncertain significance for Inborn genetic diseases. Last evaluated: 2024-05-20. Review status: criteria provided, single submitter. Criteria: Ambry Variant Classification Scheme 2023. Collection method: clinical testing. Allele origin: germline.

Labcorp Genetics (formerly Invitae), Labcorp
Classification: Uncertain significance for Pitt-Hopkins-like syndrome 2. Last evaluated: 2023-08-04. Review status: criteria provided, single submitter. Criteria: Invitae Variant Classification Sherloc (09022015). Collection method: clinical testing. Allele origin: germline.
Comment: This sequence change replaces valine, which is neutral and non-polar, with leucine, which is neutral and non-polar, at codon 109 of the NRXN1 protein (p.Val109Leu). In summary, the available evidence is currently insufficient to determine the role of this variant in disease. Therefore, it has been classified as a Variant of Uncertain Significance. Algorithms developed to predict the effect of missense changes on protein structure and function output the following: SIFT: "Not Available"; PolyPhen-2: "Benign"; Align-GVGD: "Not Available". The leucine amino acid residue is found in multiple mammalian species, which suggests that this missense change does not adversely affect protein function. ClinVar contains an entry for this variant (Variation ID: 539875). This variant has not been reported in the literature in individuals affected with NRXN1-related conditions. This variant is present in population databases (rs779979011, gnomAD 0.006%).

NM_001330078.2(NRXN1):c.325G>C (p.Val109Leu)

Gene: NRXN1 (neurexin 1; minus strand). Cytogenetic location: 2p16.3.
Variant type: single nucleotide variant.
Coding change: c.325G>C on transcript NM_001330078.2 (MANE Select); coding-DNA position 325, G replaced by C.
Protein change: p.Val109Leu; replaces valine 109 with leucine.
Molecular consequence: missense variant.
Genome position (GRCh38, 1-based): chr2:51,027,949, C>G on the plus strand (G>C on the coding strand, the complement: NRXN1 is on the minus strand). VCF-style: chr2-51027949-C-G. GRCh37 (hg19) VCF-style: chr2-51255087-C-G.
Other names: c.325G>C, p.Val109Leu (NM_001135659.3, NM_001330077.2, NM_001330079.2 and 15 more transcripts); short protein forms V109L.
Identifiers: ClinVar variation 539875 (VCV000539875.9), dbSNP rs779979011, ClinGen allele CA1655511.